The following is an entry in ClinVar:

ClinVar aggregate classification (germline): Uncertain significance. Review status: criteria provided, single submitter (1 of 4 stars). 2 submissions from 2 submitters: Uncertain significance (1). 1 of the submissions does not count toward it. Last evaluated 2025-05-02.

Conditions:
Deficiency of galactokinase. Also called: GALACTOSEMIA II; Galactokinase deficiency with cataracts. Identifiers: Orphanet 352, Orphanet 79237, MedGen C0268155, MONDO:0009255, OMIM 230200.

gnomAD v4.1: 1 of 1,613,124 alleles (0.000062%); highest among the groups gnomAD compares: East Asian, 0.0022%; no homozygotes.

Submissions (2):

Women's Health and Genetics/Laboratory Corporation of America, LabCorp
Classification: Uncertain significance. Last evaluated: 2025-05-02. Review status: criteria provided, single submitter. Criteria: LabCorp Variant Classification Summary - May 2015. Collection method: clinical testing. Allele origin: germline.
Comment: Variant summary: GALK1 c.409G>C (p.Gly137Arg) results in a non-conservative amino acid change in the encoded protein sequence. Algorithms developed to predict the effect of missense changes on protein structure and function all suggest that this variant is likely to be disruptive. The variant was absent in 247166 control chromosomes. c.409G>C has been observed in a compound heterozygous individual affected with Deficiency Of Galactokinase (Park_2007). These data do not allow any conclusion about variant significance. At least one publication reports experimental evidence evaluating an impact on protein function (Park_2007). The most pronounced variant effect results in a slightly over 10% of normal activity. ClinVar contains an entry for this variant (Variation ID: 550145). Based on the evidence outlined above, the variant was classified as VUS-possibly pathogenic.

Counsyl
Classification: Uncertain significance for Deficiency of galactokinase. Last evaluated: 2017-01-06. Review status: no assertion criteria provided. Collection method: clinical testing. Allele origin: unknown. Not counted in ClinVar's aggregate classification.

Literature cited by the submitters: PubMed 17517531 (cited by Women's Health and Genetics/Laboratory Corporation of America, LabCorp and Counsyl).

NM_000154.2(GALK1):c.409G>C (p.Gly137Arg)

Gene: GALK1 (galactokinase 1; minus strand). Cytogenetic location: 17q25.1.
Variant type: single nucleotide variant.
Coding change: c.409G>C on transcript NM_000154.2 (MANE Select); coding-DNA position 409, G replaced by C.
Protein change: p.Gly137Arg; replaces glycine 137 with arginine.
Molecular consequence: missense variant.
Genome position (GRCh38, 1-based): chr17:75,763,386, C>G on the plus strand (G>C on the coding strand, the complement: GALK1 is on the minus strand). VCF-style: chr17-75763386-C-G. GRCh37 (hg19) VCF-style: chr17-73759467-C-G.
Other names: short protein forms G137R.
Identifiers: ClinVar variation 550145 (VCV000550145.3), dbSNP rs1555748630, ClinGen allele CA401105465.
Genomic context (GRCh38, chr17:75,763,386, plus strand): 5'-AGAGCTGCTGGAGGAAGGTGTACGTGGCCACTTCCAAGGATGCTGAGCTGGACAGGCCAC[C>G]CCCCAGGGGCACTGAGCTGACCACCACTGCACTGAAGCCAGGGAGGGGGGCAGCTGCAGG-3'
Protein context (NP_000145.1, residues 127-147): AVVVSSVPLG[Gly137Arg]GLSSSASLEV